The following is an entry in ClinVar:

NM_002878.4(RAD51D):c.-27C>A

Genes: RAD51D (RAD51 paralog D; minus strand), RAD51L3-RFFL (RAD51L3-RFFL readthrough; minus strand). Cytogenetic location: 17q12.
Variant type: single nucleotide variant.
Coding change: c.-27C>A on transcript NM_002878.4 (MANE Select); 27 bases upstream of the start codon, C replaced by A.
Molecular consequence: 5 prime UTR variant. On other transcripts: non-coding transcript variant (2).
Genome position (GRCh38, 1-based): chr17:35,119,640, G>T on the plus strand (C>A on the coding strand, the complement: RAD51D is on the minus strand). VCF-style: chr17-35119640-G-T. GRCh37 (hg19) VCF-style: chr17-33446659-G-T.
Other names: c.-27C>A (NM_001142571.2, NM_133629.3).
Identifiers: ClinVar variation 383194 (VCV000383194.1), dbSNP rs1057521550, ClinGen allele CA16607211.

ClinVar aggregate classification (germline): Likely benign (1 of 4 stars; one submission).

Allele frequency attached by ClinVar (database versions not stated): TOPMed 0.00001.

Submission:

GeneDx
Classification: Likely benign. Last evaluated: 2016-01-22. Review status: criteria provided, single submitter. Criteria: GeneDx Variant Classification (06012015). Collection method: clinical testing. Allele origin: germline. Affected: yes.
Comment: This variant is considered likely benign or benign based on one or more of the following criteria: it is a conservative change, it occurs at a poorly conserved position in the protein, it is predicted to be benign by multiple in silico algorithms, and/or has population frequency not consistent with disease.